The following is an entry in ClinVar:

NM_004304.5(ALK):c.2993A>T (p.Asp998Val)

Gene: ALK (ALK receptor tyrosine kinase; minus strand). Cytogenetic location: 2p23.2.
Variant type: single nucleotide variant.
Coding change: c.2993A>T on transcript NM_004304.5 (MANE Select); coding-DNA position 2993, A replaced by T.
Protein change: p.Asp998Val; replaces aspartic acid 998 with valine.
Molecular consequence: missense variant.
Genome position (GRCh38, 1-based): chr2:29,226,996, T>A on the plus strand (A>T on the coding strand, the complement: ALK is on the minus strand). VCF-style: chr2-29226996-T-A. GRCh37 (hg19) VCF-style: chr2-29449862-T-A.
Other names: c.2993A>T (NM_004304.4); short protein forms D998V.
Identifiers: ClinVar variation 1914561 (VCV001914561.8), dbSNP rs1664020706, ClinGen allele CA346467691.

ClinVar aggregate classification (germline): Uncertain significance. Review status: criteria provided, multiple submitters, no conflicts (2 of 4 stars). 2 submissions from 2 submitters: Uncertain significance (2). Last evaluated 2025-10-01.

Conditions:
Hereditary cancer-predisposing syndrome. Also called: Neoplastic Syndromes, Hereditary; Tumor predisposition; Hereditary neoplastic syndrome; Hereditary Cancer Syndrome. Identifiers: Orphanet 140162, MedGen C0027672, MeSH D009386, MONDO:0015356.
Neuroblastoma, susceptibility to, 3. Also called: ALK-Related Neuroblastic Tumor Susceptibility. Identifiers: Orphanet 635, MedGen C2751681, MONDO:0013083, OMIM 613014.

Submissions (2):

Labcorp Genetics (formerly Invitae), Labcorp
Classification: Uncertain significance for Neuroblastoma, susceptibility to, 3. Last evaluated: 2025-10-01. Review status: criteria provided, single submitter. Criteria: Invitae Variant Classification Sherloc (09022015). Collection method: clinical testing. Allele origin: germline.
Comment: This sequence change replaces aspartic acid, which is acidic and polar, with valine, which is neutral and non-polar, at codon 998 of the ALK protein (p.Asp998Val). This variant is not present in population databases (gnomAD no frequency). This variant has not been reported in the literature in individuals affected with ALK-related conditions. ClinVar contains an entry for this variant (Variation ID: 1914561). An algorithm developed to predict the effect of missense changes on protein structure and function (PolyPhen-2) suggests that this variant is likely to be disruptive. In summary, the available evidence is currently insufficient to determine the role of this variant in disease. Therefore, it has been classified as a Variant of Uncertain Significance.

Ambry Genetics
Classification: Uncertain significance for Hereditary cancer-predisposing syndrome. Last evaluated: 2025-06-09. Review status: criteria provided, single submitter. Criteria: Ambry Variant Classification Scheme 2023. Collection method: clinical testing. Allele origin: germline.
Comment: The p.D998V variant (also known as c.2993A>T), located in coding exon 18 of the ALK gene, results from an A to T substitution at nucleotide position 2993. The aspartic acid at codon 998 is replaced by valine, an amino acid with highly dissimilar properties. This amino acid position is conserved. In addition, this alteration is predicted to be deleterious by in silico analysis. Since supporting evidence is limited at this time, the clinical significance of this alteration remains unclear.